The following is an entry in ClinVar:

ClinVar aggregate classification (germline): Pathogenic/Likely pathogenic. Review status: criteria provided, multiple submitters, no conflicts (2 of 4 stars). 2 submissions from 2 submitters: Pathogenic (1); Likely pathogenic (1). Last evaluated 2024-03-07.

Conditions:
Bardet-Biedl syndrome 10 (BBS10). Identifiers: Orphanet 110, MedGen C1859568, MONDO:0014438, OMIM 615987.
Bardet-Biedl syndrome (BBS). Identifiers: Orphanet 110, MedGen C0752166, MONDO:0015229.

Submissions (2):

Fulgent Genetics
Classification: Likely pathogenic for Bardet-Biedl syndrome 10. Last evaluated: 2024-03-07. Review status: criteria provided, single submitter. Criteria: ACMG Guidelines, 2015. Collection method: clinical testing. Allele origin: germline.

Labcorp Genetics (formerly Invitae), Labcorp
Classification: Pathogenic for Bardet-Biedl syndrome. Last evaluated: 2023-11-22. Review status: criteria provided, single submitter. Criteria: Invitae Variant Classification Sherloc (09022015). Collection method: clinical testing. Allele origin: germline.
Comment: This sequence change creates a premature translational stop signal (p.Gln242Leufs*13) in the BBS10 gene. While this is not anticipated to result in nonsense mediated decay, it is expected to disrupt the last 482 amino acid(s) of the BBS10 protein. This variant is not present in population databases (gnomAD no frequency). This variant has not been reported in the literature in individuals affected with BBS10-related conditions. This variant disrupts a region of the BBS10 protein in which other variant(s) (p.Val707*) have been determined to be pathogenic (PMID: 2748677, 20472660, 22773737, 25982971). This suggests that this is a clinically significant region of the protein, and that variants that disrupt it are likely to be disease-causing. For these reasons, this variant has been classified as Pathogenic.

Literature cited by the submitters: PubMed 2748677 (cited by Labcorp Genetics (formerly Invitae), Labcorp); PubMed 20472660 (cited by Labcorp Genetics (formerly Invitae), Labcorp); PubMed 22773737 (cited by Labcorp Genetics (formerly Invitae), Labcorp); PubMed 25982971 (cited by Labcorp Genetics (formerly Invitae), Labcorp).

NM_024685.4(BBS10):c.725_737del (p.Gln242fs)

Gene: BBS10 (Bardet-Biedl syndrome 10; minus strand). Cytogenetic location: 12q21.2.
Variant type: Deletion.
Coding change: c.725_737del on transcript NM_024685.4 (MANE Select); coding-DNA positions 725 to 737, 13 bases deleted (AGAAAGATTTTTC).
Protein change: p.Gln242fs; shifts the reading frame from glutamine 242.
Molecular consequence: frameshift variant.
Genome position (GRCh38, 1-based): chr12:76,347,248-76,347,260, GAAAAATCTTTCT deleted on the plus strand (AGAAAGATTTTTC on the coding strand, the reverse complement: BBS10 is on the minus strand); deleting any 13 consecutive bases within chr12:76,347,248-76,347,263 gives the same sequence; the c. name uses the placement nearest the transcript's 3' end. VCF-style (leftmost placement, unchanged base first): chr12-76347247-AGAAAAATCTTTCT-A. GRCh37 (hg19) VCF-style: chr12-76741027-AGAAAAATCTTTCT-A.
Other names: short protein forms Q242fs.
Identifiers: ClinVar variation 3015827 (VCV003015827.5), dbSNP rs1951766517, ClinGen allele CA2047353688.